The following is an entry in ClinVar:

ClinVar aggregate classification (germline): Uncertain significance (1 of 4 stars; one submission).

Conditions:
PDE1C-related disorder. Also called: PDE1C-related condition.

gnomAD v4.1: 19 of 1,613,838 alleles (0.0012%); highest among the groups gnomAD compares: Middle Eastern, 0.016%; no homozygotes.

Submission:

PreventionGenetics, part of Exact Sciences
Classification: Uncertain significance for PDE1C-related condition. Last evaluated: 2025-02-06. Review status: criteria provided, single submitter. Criteria: ACMG Guidelines, 2015. Collection method: clinical testing. Allele origin: germline.
Comment: The PDE1C c.1807G>T variant is predicted to result in the amino acid substitution p.Ala603Ser. To our knowledge, this variant has not been reported in the literature. This variant is reported in 0.00088% of alleles in individuals of European (Non-Finnish) descent in gnomAD. At this time, the clinical significance of this variant is uncertain due to the absence of conclusive functional and genetic evidence.

NM_001191057.4(PDE1C):c.1627G>T (p.Ala543Ser)

Gene: PDE1C (phosphodiesterase 1C; minus strand). Cytogenetic location: 7p14.3.
Variant type: single nucleotide variant.
Coding change: c.1627G>T on transcript NM_001191057.4 (MANE Select); coding-DNA position 1627, G replaced by T.
Protein change: p.Ala543Ser; replaces alanine 543 with serine.
Molecular consequence: missense variant.
Genome position (GRCh38, 1-based): chr7:31,816,110, C>A on the plus strand (G>T on the coding strand, the complement: PDE1C is on the minus strand). VCF-style: chr7-31816110-C-A. GRCh37 (hg19) VCF-style: chr7-31855724-C-A.
Other names: c.1627G>T, p.Ala543Ser (NM_001191056.3, NM_001191059.4, NM_001322055.2 and 3 more transcripts); c.1807G>T, p.Ala603Ser (NM_001191058.4, NM_001322058.2); c.2032G>T, p.Ala678Ser (NM_001322059.2); short protein forms A543S, A603S, A678S.
Identifiers: ClinVar variation 4981952 (VCV004981952.1).